The following is an entry in ClinVar:

ClinVar aggregate classification (germline): Uncertain significance. Review status: criteria provided, multiple submitters, no conflicts (2 of 4 stars). 2 submissions from 2 submitters: Uncertain significance (2). Last evaluated 2022-01-05.

Conditions:
Alzheimer disease 4 (AD4). Identifiers: Orphanet 1020, MedGen C1847200, MONDO:0011743, OMIM 606889.

Submissions (2):

Labcorp Genetics (formerly Invitae), Labcorp
Classification: Uncertain significance for Alzheimer disease 4. Last evaluated: 2022-01-05. Review status: criteria provided, single submitter. Criteria: Invitae Variant Classification Sherloc (09022015). Collection method: clinical testing. Allele origin: germline.
Comment: This variant is present in population databases (rs775692311, gnomAD 0.0009%). This variant has not been reported in the literature in individuals affected with PSEN2-related conditions. ClinVar contains an entry for this variant (Variation ID: 806370). Variants that disrupt the consensus splice site are a relatively common cause of aberrant splicing (PMID: 17576681, 9536098). Algorithms developed to predict the effect of sequence changes on RNA splicing suggest that this variant may disrupt the consensus splice site. In summary, the available evidence is currently insufficient to determine the role of this variant in disease. Therefore, it has been classified as a Variant of Uncertain Significance. This sequence change falls in intron 10 of the PSEN2 gene. It does not directly change the encoded amino acid sequence of the PSEN2 protein. It affects a nucleotide within the consensus splice site.

CeGaT Center for Human Genetics Tuebingen
Classification: Uncertain significance. Last evaluated: 2018-02-01. Review status: criteria provided, single submitter. Criteria: CeGaT Center For Human Genetics Tuebingen Variant Classification Criteria Version 2. Collection method: clinical testing. Allele origin: germline. Affected: yes. Observed: 1 variant allele.

Literature cited by the submitters: PubMed 17576681 (cited by Labcorp Genetics (formerly Invitae), Labcorp); PubMed 9536098 (cited by Labcorp Genetics (formerly Invitae), Labcorp).

NM_000447.3(PSEN2):c.970+3_970+6del

Gene: PSEN2 (presenilin 2; plus strand). Cytogenetic location: 1q42.13.
Variant type: Deletion.
Coding change: c.970+3_970+6del on transcript NM_000447.3 (MANE Select); bases 3 to 6 of the intron after coding-DNA position 970, 4 bases deleted (GAGT; older notation c.970+3_970+6delGAGT).
Molecular consequence: splice donor variant.
Genome position (GRCh38, 1-based): chr1:226,891,364-226,891,367, GAGT deleted; deleting any 4 consecutive bases within chr1:226,891,362-226,891,367 gives the same sequence; the c. name uses the placement nearest the transcript's 3' end. VCF-style (leftmost placement, unchanged base first): chr1-226891361-GGTGA-G. GRCh37 (hg19) VCF-style: chr1-227079062-GGTGA-G.
Other names: c.970+3_970+6del (NM_012486.3).
Identifiers: ClinVar variation 806370 (VCV000806370.46), dbSNP rs775692311, ClinGen allele CA1424722.